The following is an entry in ClinVar:

ClinVar aggregate classification (germline): Uncertain significance (0 of 4 stars; one submission).

Conditions:
PCNT-related disorder. Also called: PCNT-related condition.

gnomAD v4.1: 9 of 1,613,310 alleles (0.00056%); highest among the groups gnomAD compares: African/African-American, 0.004%; no homozygotes.

Submission:

PreventionGenetics, part of Exact Sciences
Classification: Uncertain significance for PCNT-related condition. Last evaluated: 2024-07-08. Review status: no assertion criteria provided. Collection method: clinical testing. Allele origin: germline.
Comment: The PCNT c.9751C>A variant is predicted to result in the amino acid substitution p.Pro3251Thr. To our knowledge, this variant has not been reported in the literature or in a large population database, indicating this variant is rare. At this time, the clinical significance of this variant is uncertain due to the absence of conclusive functional and genetic evidence.

NM_006031.6(PCNT):c.9751C>A (p.Pro3251Thr)

Gene: PCNT (pericentrin; plus strand). Cytogenetic location: 21q22.3.
Variant type: single nucleotide variant.
Coding change: c.9751C>A on transcript NM_006031.6 (MANE Select); coding-DNA position 9751, C replaced by A.
Protein change: p.Pro3251Thr; replaces proline 3251 with threonine.
Molecular consequence: missense variant.
Genome position (GRCh38, 1-based): chr21:46,443,860, C>A. VCF-style: chr21-46443860-C-A. GRCh37 (hg19) VCF-style: chr21-47863773-C-A.
Other names: c.9160C>A, p.Pro3054Thr (NM_001315529.2); short protein forms P3054T, P3251T.
Identifiers: ClinVar variation 3350849 (VCV003350849.1).
Genomic context (GRCh38, chr21:46,443,860, plus strand): 5'-TCTGGGGAAGGGCCCCGAGCACGACAGCCGCAGTCTCCACCCAGAACCAGAGAGTCCCCC[C>A]CAACCCGGGATGTACCCTCTGGCCACACCAGGGACCCTGCCAGAGGCCGCAGACTGGCAG-3'
Protein context (NP_006022.3, residues 3241-3261): QSPPRTRESP[Pro3251Thr]TRDVPSGHTR